The following is an entry in ClinVar:

NM_031308.4(EPPK1):c.6414G>A (p.Gln2138=)

Gene: EPPK1 (epiplakin 1; minus strand). Cytogenetic location: 8q24.3.
Variant type: single nucleotide variant.
Coding change: c.6414G>A on transcript NM_031308.4 (MANE Select); coding-DNA position 6414, G replaced by A.
Protein change: p.Gln2138=; no amino-acid change (glutamine 2138 retained).
Molecular consequence: synonymous variant.
Genome position (GRCh38, 1-based): chr8:143,866,840, C>T on the plus strand (G>A on the coding strand, the complement: EPPK1 is on the minus strand). VCF-style: chr8-143866840-C-T. GRCh37 (hg19) VCF-style: chr8-144941008-C-T.
Identifiers: ClinVar variation 3031897 (VCV003031897.2), dbSNP rs782598175, ClinGen allele CA4921766.

ClinVar aggregate classification (germline): Likely benign (0 of 4 stars; one submission).

Conditions:
EPPK1-related disorder. Also called: EPPK1-related condition.

Submission:

PreventionGenetics, part of Exact Sciences
Classification: Likely benign for EPPK1-related condition. Last evaluated: 2023-02-09. Review status: no assertion criteria provided. Collection method: clinical testing. Allele origin: germline.
Comment: This variant is classified as likely benign based on ACMG/AMP sequence variant interpretation guidelines (Richards et al. 2015 PMID: 25741868, with internal and published modifications).